The following is an entry in ClinVar:

NM_001723.7(DST):c.5129A>G (p.Gln1710Arg)

Gene: DST (dystonin; minus strand). Cytogenetic location: 6p12.1.
Variant type: single nucleotide variant.
Coding change: c.5129A>G on transcript NM_001723.7 (MANE Plus Clinical); coding-DNA position 5129, A replaced by G.
Protein change: p.Gln1710Arg; replaces glutamine 1710 with arginine.
Molecular consequence: missense variant. On other transcripts: intron variant (10).
Genome position (GRCh38, 1-based): chr6:56,618,905, T>C on the plus strand (A>G on the coding strand, the complement: DST is on the minus strand). VCF-style: chr6-56618905-T-C. GRCh37 (hg19) VCF-style: chr6-56483703-T-C.
Other names: c.4831-4421A>G (NM_001144769.5); c.4930-4421A>G (NM_001374722.1, NM_001374736.1); c.4957-4421A>G (NM_001374734.1); c.4417-4421A>G (NM_001144770.2); c.4297-4421A>G (NM_001374730.1, NM_001386100.1, NM_183380.4 and 1 more transcripts); c.3319-4421A>G (NM_015548.5); short protein forms Q1710R.
Identifiers: ClinVar variation 5020701 (VCV005020701.1).
Genomic context (GRCh38, chr6:56,618,905, plus strand): 5'-TCCTCTATGGTCTTTAAGTGTAATTCGTCTTGTACTTTTTTCAACCTGTTATTTAACTCT[T>C]GCACCTGAGCTTGTTGTAGCTGAACTTTCTGCTCCCCGCGTCGCTTCTCTTCTTTGGAAG-3'
Protein context (NP_001714.1, residues 1700-1720): QKVQLQQAQV[Gln1710Arg]ELNNRLKKVQ

ClinVar aggregate classification (germline): Uncertain significance (1 of 4 stars; one submission).

Submission:

Dasa
Classification: Uncertain significance. Last evaluated: 2026-02-23. Review status: criteria provided, single submitter. Criteria: DASA Assertion Criteria. Collection method: clinical testing. Allele origin: germline.
Comment: NM_001723.7(DST):c.5129A>G (p.Gln1710Arg) is a missense variant that results in the substitution of glutamine with arginine. This variant is rare in population databases. Computational prediction algorithms are consistent with a benign effect. The currently available literature and clinical evidence are not sufficient to establish a definitive association between this variant and the reported condition. Therefore, this variant is classified as a variant of uncertain significance.